The following is an entry in ClinVar:

ClinVar aggregate classification (germline): Uncertain significance. Review status: criteria provided, multiple submitters, no conflicts (2 of 4 stars). 2 submissions from 2 submitters: Uncertain significance (2). Last evaluated 2025-10-02.

Allele frequency attached by ClinVar (database versions not stated): gnomAD exomes 0.00001; TOPMed 0.00003; ExAC 0.00004; gnomAD 0.00004; 1000 Genomes Project 30x 0.00031; 1000 Genomes Project 0.00040.
gnomAD v4.1: 15 of 1,614,130 alleles (0.00093%); highest among the groups gnomAD compares: East Asian, 0.0045%; no homozygotes.

Submissions (2):

Ambry Genetics
Classification: Uncertain significance. Last evaluated: 2025-10-02. Review status: criteria provided, single submitter. Criteria: Ambry Variant Classification Scheme 2023. Collection method: clinical testing. Allele origin: germline.

Labcorp Genetics (formerly Invitae), Labcorp
Classification: Uncertain significance. Last evaluated: 2025-05-14. Review status: criteria provided, single submitter. Criteria: Invitae Variant Classification Sherloc (09022015). Collection method: clinical testing. Allele origin: germline.
Comment: This sequence change replaces glutamic acid, which is acidic and polar, with lysine, which is basic and polar, at codon 197 of the CARD8 protein (p.Glu197Lys). The frequency data for this variant in the population databases is considered unreliable, as metrics indicate poor data quality at this position in the gnomAD database. This variant has not been reported in the literature in individuals affected with CARD8-related conditions. ClinVar contains an entry for this variant (Variation ID: 1965113). An algorithm developed to predict the effect of missense changes on protein structure and function outputs the following: PolyPhen-2: "Benign". The lysine amino acid residue is found in multiple mammalian species, which suggests that this missense change does not adversely affect protein function. In summary, the available evidence is currently insufficient to determine the role of this variant in disease. Therefore, it has been classified as a Variant of Uncertain Significance.

NM_001184900.3(CARD8):c.739G>A (p.Glu247Lys)

Gene: CARD8 (caspase recruitment domain family member 8; minus strand). Cytogenetic location: 19q13.33.
Variant type: single nucleotide variant.
Coding change: c.739G>A on transcript NM_001184900.3 (MANE Select); coding-DNA position 739, G replaced by A.
Protein change: p.Glu247Lys; replaces glutamic acid 247 with lysine.
Molecular consequence: missense variant. On other transcripts: non-coding transcript variant (4).
Genome position (GRCh38, 1-based): chr19:48,230,810, C>T on the plus strand (G>A on the coding strand, the complement: CARD8 is on the minus strand). VCF-style: chr19-48230810-C-T. GRCh37 (hg19) VCF-style: chr19-48734067-C-T.
Other names: c.589G>A, p.Glu197Lys (NM_001184901.1, NM_001351783.2, NM_001351788.2 and 2 more transcripts); c.739G>A, p.Glu247Lys (NM_001184902.2, NM_001184903.1, NM_001351782.2); c.424G>A, p.Glu142Lys (NM_001351784.2, NM_001351787.2, NM_001351791.2 and 2 more transcripts); c.403G>A, p.Glu135Lys (NM_001351786.2); c.496G>A, p.Glu166Lys (NM_001351790.2); c.739G>A (NM_001184900.1); short protein forms E142K, E166K, E197K, E247K, E135K.
Identifiers: ClinVar variation 1965113 (VCV001965113.6), dbSNP rs542641676, ClinGen allele CA9547939.